The following is an entry in ClinVar:

NM_004006.3(DMD):c.1602+1G>A

Gene: DMD (dystrophin; minus strand). Cytogenetic location: Xp21.1.
Variant type: single nucleotide variant.
Coding change: c.1602+1G>A on transcript NM_004006.3 (MANE Select); the canonical splice donor site of the intron after coding-DNA position 1602, G replaced by A.
Molecular consequence: splice donor variant.
Genome position (GRCh38, 1-based): chrX:32,595,756, C>T on the plus strand (G>A on the coding strand, the complement: DMD is on the minus strand). VCF-style: chrX-32595756-C-T. GRCh37 (hg19) VCF-style: chrX-32613873-C-T.
Other names: c.1578+1G>A (NM_000109.4); c.1590+1G>A (NM_004009.3); c.1233+1G>A (NM_004010.3).
Identifiers: ClinVar variation 372742 (VCV000372742.4), dbSNP rs1057517960, ClinGen allele CA16043238.

ClinVar aggregate classification (germline): Pathogenic (1 of 4 stars; one submission).

Submission:

GeneDx
Classification: Pathogenic. Last evaluated: 2017-08-18. Review status: criteria provided, single submitter. Criteria: GeneDx Variant Classification (06012015). Collection method: clinical testing. Allele origin: germline. Affected: yes.
Comment: The c.1602+1 G>A variant has been reported previously in association with Becker muscular dystrophy (Deburgrave et al., 2007). This variant destroys the canonical splice donor site for intron 13. RNA analysis confirmed c.1602+1 G>A produces a full length DMD transcript, as well as a second in-frame transcript with exon 13 skipped, and results in decreased dystrophin (Deburgrave et al., 2007). This variant was not observed in approximately 6,500 individuals of European and African American ancestry in the NHLBI Exome Sequencing Project, indicating it is not a common benign variant in these populations.